The following is an entry in ClinVar:

ClinVar aggregate classification (germline): Benign (0 of 4 stars; one submission).

Conditions:
MYCBP2-related disorder. Also called: MYCBP2-related condition.

Allele frequency attached by ClinVar (database versions not stated): 1000 Genomes Project 0.05272; ExAC 0.05434; 1000 Genomes Project 30x 0.05497; gnomAD 0.06674; gnomAD exomes 0.07099; TOPMed 0.07256.
gnomAD v4.1: 100,062 of 1,419,156 alleles (7.1%); highest among the groups gnomAD compares: Middle Eastern, 10%; 3,825 homozygotes.

Submission:

PreventionGenetics, part of Exact Sciences
Classification: Benign for MYCBP2-related condition. Last evaluated: 2019-12-16. Review status: no assertion criteria provided. Collection method: clinical testing. Allele origin: germline.
Comment: This variant is classified as benign based on ACMG/AMP sequence variant interpretation guidelines (Richards et al. 2015 PMID: 25741868, with internal and published modifications).

NM_015057.5(MYCBP2):c.63A>T (p.Gly21=)

Genes: MYCBP2 (MYC binding protein 2; minus strand), LOC130009921 (ATAC-STARR-seq lymphoblastoid silent region 5419; plus strand). Cytogenetic location: 13q22.3.
Variant type: single nucleotide variant.
Coding change: c.63A>T on transcript NM_015057.5 (MANE Select); coding-DNA position 63, A replaced by T.
Protein change: p.Gly21=; no amino-acid change (glycine 21 retained).
Molecular consequence: synonymous variant.
Genome position (GRCh38, 1-based): chr13:77,326,713, T>A on the plus strand (A>T on the coding strand, the complement: MYCBP2 is on the minus strand). VCF-style: chr13-77326713-T-A. GRCh37 (hg19) VCF-style: chr13-77900848-T-A.
Identifiers: ClinVar variation 3056648 (VCV003056648.2), dbSNP rs117722214, ClinGen allele CA7010779.